The following is an entry in ClinVar:

ClinVar aggregate classification (germline): Uncertain significance (1 of 4 stars; one submission).

Allele frequency attached by ClinVar (database versions not stated): gnomAD exomes below 0.00001; gnomAD 0.00001; TOPMed 0.00001.
gnomAD v4.1: 2 of 1,614,070 alleles (0.00012%); highest among the groups gnomAD compares: Admixed American, 0.0033%; no homozygotes.

Submission:

Labcorp Genetics (formerly Invitae), Labcorp
Classification: Uncertain significance. Last evaluated: 2022-07-09. Review status: criteria provided, single submitter. Criteria: Invitae Variant Classification Sherloc (09022015). Collection method: clinical testing. Allele origin: germline.
Comment: This sequence change replaces glutamine, which is neutral and polar, with leucine, which is neutral and non-polar, at codon 342 of the KIAA0753 protein (p.Gln342Leu). This variant is present in population databases (no rsID available, gnomAD 0.006%). This variant has not been reported in the literature in individuals affected with KIAA0753-related conditions. Algorithms developed to predict the effect of missense changes on protein structure and function are either unavailable or do not agree on the potential impact of this missense change (SIFT: "Deleterious"; PolyPhen-2: "Benign"; Align-GVGD: "Class C25"). In summary, the available evidence is currently insufficient to determine the role of this variant in disease. Therefore, it has been classified as a Variant of Uncertain Significance.

NM_014804.3(KIAA0753):c.1025A>T (p.Gln342Leu)

Gene: KIAA0753 (KIAA0753; minus strand). Cytogenetic location: 17p13.1.
Variant type: single nucleotide variant.
Coding change: c.1025A>T on transcript NM_014804.3 (MANE Select); coding-DNA position 1025, A replaced by T.
Protein change: p.Gln342Leu; replaces glutamine 342 with leucine.
Molecular consequence: missense variant. On other transcripts: non-coding transcript variant (3).
Genome position (GRCh38, 1-based): chr17:6,622,961, T>A on the plus strand (A>T on the coding strand, the complement: KIAA0753 is on the minus strand). VCF-style: chr17-6622961-T-A. GRCh37 (hg19) VCF-style: chr17-6526281-T-A.
Other names: c.128A>T, p.Gln43Leu (NM_001351225.2); short protein forms Q43L, Q342L.
Identifiers: ClinVar variation 1960021 (VCV001960021.2), dbSNP rs1423801936, ClinGen allele CA397412850.